The following is an entry in ClinVar:

NM_000100.4(CSTB):c.168+6G>C

Gene: CSTB (cystatin B; minus strand). Cytogenetic location: 21q22.3.
Variant type: single nucleotide variant.
Coding change: c.168+6G>C on transcript NM_000100.4 (MANE Select); 6 bases into the intron after coding-DNA position 168, G replaced by C.
Molecular consequence: intron variant.
Genome position (GRCh38, 1-based): chr21:43,774,652, C>G on the plus strand (G>C on the coding strand, the complement: CSTB is on the minus strand). VCF-style: chr21-43774652-C-G. GRCh37 (hg19) VCF-style: chr21-45194533-C-G.
Identifiers: ClinVar variation 2201814 (VCV002201814.2), dbSNP rs879246734, ClinGen allele CA321726138.

ClinVar aggregate classification (germline): Uncertain significance (1 of 4 stars; one submission).

Conditions:
Progressive myoclonic epilepsy. Also called: Progressive myoclonus epilepsy; Familial progressive myoclonic epilepsy; Myoclonic Epilepsies, Progressive; Myoclonus epilepsy. Identifiers: Orphanet 308, Orphanet 98261, MedGen C0751778, MONDO:0020074.

Allele frequency attached by ClinVar (database versions not stated): gnomAD 0.00001; TOPMed 0.00002.
gnomAD v4.1: 5 of 1,612,168 alleles (0.00031%); highest among the groups gnomAD compares: Admixed American, 0.0033%; no homozygotes.

Submission:

Labcorp Genetics (formerly Invitae), Labcorp
Classification: Uncertain significance for Progressive myoclonic epilepsy. Last evaluated: 2023-12-11. Review status: criteria provided, single submitter. Criteria: Invitae Variant Classification Sherloc (09022015). Collection method: clinical testing. Allele origin: germline.
Comment: This sequence change falls in intron 2 of the CSTB gene. It does not directly change the encoded amino acid sequence of the CSTB protein. It affects a nucleotide within the consensus splice site. This variant is not present in population databases (gnomAD no frequency). This variant has not been reported in the literature in individuals affected with CSTB-related conditions. ClinVar contains an entry for this variant (Variation ID: 2201814). Variants that disrupt the consensus splice site are a relatively common cause of aberrant splicing (PMID: 17576681, 9536098). Algorithms developed to predict the effect of sequence changes on RNA splicing suggest that this variant is not likely to affect RNA splicing. In summary, the available evidence is currently insufficient to determine the role of this variant in disease. Therefore, it has been classified as a Variant of Uncertain Significance.

Literature cited by the submitters: PubMed 17576681; PubMed 9536098.